The following is an entry in ClinVar:

ClinVar aggregate classification (germline): Uncertain significance (1 of 4 stars; one submission).

Conditions:
Inborn genetic diseases. Identifiers: MedGen C0950123, MeSH D030342.

Allele frequency attached by ClinVar (database versions not stated): ExAC 0.00001; gnomAD 0.00001; TOPMed 0.00001.
gnomAD v4.1: 8 of 1,613,784 alleles (0.0005%); highest among the groups gnomAD compares: Non-Finnish European, 0.00068%; no homozygotes.

Submission:

Ambry Genetics
Classification: Uncertain significance for Inborn genetic diseases. Last evaluated: 2022-06-01. Review status: criteria provided, single submitter. Criteria: Ambry Variant Classification Scheme 2023. Collection method: clinical testing. Allele origin: germline.
Comment: The c.3796C>T (p.R1266C) alteration is located in exon 23 (coding exon 23) of the TANC2 gene. This alteration results from a C to T substitution at nucleotide position 3796, causing the arginine (R) at amino acid position 1266 to be replaced by a cysteine (C). Based on data from gnomAD, the T allele has an overall frequency of 0.0008% (2/249064) total alleles studied. The highest observed frequency was 0.003% (1/30584) of South Asian alleles. This amino acid position is highly conserved in available vertebrate species. The in silico prediction for this alteration is inconclusive. Based on insufficient or conflicting evidence, the clinical significance of this alteration remains unclear.

NM_001394998.1(TANC2):c.4048C>T (p.Arg1350Cys)

Gene: TANC2 (tetratricopeptide repeat, ankyrin repeat and coiled-coil containing 2; plus strand). Cytogenetic location: 17q23.3.
Variant type: single nucleotide variant.
Coding change: c.4048C>T on transcript NM_001394998.1 (MANE Select); coding-DNA position 4048, C replaced by T.
Protein change: p.Arg1350Cys; replaces arginine 1350 with cysteine.
Molecular consequence: missense variant.
Genome position (GRCh38, 1-based): chr17:63,415,555, C>T. VCF-style: chr17-63415555-C-T. GRCh37 (hg19) VCF-style: chr17-61492916-C-T.
Other names: c.3826C>T, p.Arg1276Cys (NM_001411076.1); c.3796C>T, p.Arg1266Cys (NM_025185.4); short protein forms R1276C, R1350C, R1266C.
Identifiers: ClinVar variation 2292906 (VCV002292906.2), dbSNP rs757622270, ClinGen allele CA8698163.